The following is an entry in ClinVar:

ClinVar aggregate classification (germline): Uncertain significance. Review status: criteria provided, single submitter (1 of 4 stars). 2 submissions from 2 submitters: Uncertain significance (1). 1 of the submissions does not count toward it. Last evaluated 2024-11-18.

Conditions:
Hermansky-Pudlak syndrome 5 (HPS5). Identifiers: Orphanet 231512, Orphanet 79430, MedGen C3888004, MONDO:0013557, OMIM 614074.

Allele frequency attached by ClinVar (database versions not stated): gnomAD 0.00001; TOPMed 0.00001; 1000 Genomes Project 30x 0.00016; 1000 Genomes Project 0.00020.
gnomAD v4.1: 9 of 1,584,886 alleles (0.00057%); highest among the groups gnomAD compares: East Asian, 0.0045%; no homozygotes.

Submissions (2):

Labcorp Genetics (formerly Invitae), Labcorp
Classification: Uncertain significance. Last evaluated: 2024-11-18. Review status: criteria provided, single submitter. Criteria: Invitae Variant Classification Sherloc (09022015). Collection method: clinical testing. Allele origin: germline.
Comment: This sequence change falls in intron 20 of the HPS5 gene. It does not directly change the encoded amino acid sequence of the HPS5 protein. The frequency data for this variant in the population databases is considered unreliable, as metrics indicate poor data quality at this position in the gnomAD database. This variant has not been reported in the literature in individuals affected with HPS5-related conditions. ClinVar contains an entry for this variant (Variation ID: 1957171). Algorithms developed to predict the effect of sequence changes on RNA splicing suggest that this variant may disrupt the consensus splice site. In summary, the available evidence is currently insufficient to determine the role of this variant in disease. Therefore, it has been classified as a Variant of Uncertain Significance.

Department of Dermatology, Faculty of Medicine, Yamagata University
Classification: Pathogenic for Hermansky-Pudlak syndrome 5. Last evaluated: 2024-03-01. Review status: no assertion criteria provided. Collection method: clinical testing. Allele origin: germline. Inheritance: Autosomal recessive inheritance. Affected: yes. Observed: 1 variant allele, 1 compound heterozygote. Not counted in ClinVar's aggregate classification.
Comment: Analysis of RT-PCR products using RNA from the patient's blood sample revealed aberrant splicing, resulting in an 11-nucleotide insertion in exon 21 (NM_181507.2: r.2951_2952ins [2952-11_2952-1]). This splicing error is predicted to cause a frameshift, leading to truncated proteins (NP_852608.1: p.(Phe985LeufsTer10)).

NM_181507.2(HPS5):c.2952-13G>A

Gene: HPS5 (HPS5 biogenesis of lysosomal organelles complex 2 subunit 2; minus strand). Cytogenetic location: 11p15.1.
Variant type: single nucleotide variant.
Coding change: c.2952-13G>A on transcript NM_181507.2 (MANE Select); 13 bases into the intron before coding-DNA position 2952, G replaced by A.
Molecular consequence: intron variant.
Genome position (GRCh38, 1-based): chr11:18,283,914, C>T on the plus strand (G>A on the coding strand, the complement: HPS5 is on the minus strand). VCF-style: chr11-18283914-C-T. GRCh37 (hg19) VCF-style: chr11-18305461-C-T.
Other names: c.2538-13G>A (NM_001440929.1, NM_001440928.1, NM_001440927.1); c.2610-13G>A (NM_181508.2, NM_001440921.1, NM_001440926.1 and 5 more transcripts); c.2841-13G>A (NM_001440915.1, NM_001440914.1, NM_001440913.1); c.2097-13G>A (NM_001440931.1); c.2796-13G>A (NM_001440917.1); c.2952-13G>A (NM_001440906.1, NM_001440905.1, NM_001440903.1 and 1 more transcripts); c.2877-13G>A (NM_001440907.1, NM_001440909.1, NM_001440908.1); c.2490-13G>A (NM_001440930.1); and 5 more.
Identifiers: ClinVar variation 1957171 (VCV001957171.3), dbSNP rs550866760, ClinGen allele CA218576157.